The following is an entry in ClinVar:

NM_152296.5(ATP1A3):c.2531A>G (p.Tyr844Cys)

Gene: ATP1A3 (ATPase Na+/K+ transporting subunit alpha 3; minus strand). Cytogenetic location: 19q13.2.
Variant type: single nucleotide variant.
Coding change: c.2531A>G on transcript NM_152296.5 (MANE Select); coding-DNA position 2531, A replaced by G.
Protein change: p.Tyr844Cys; replaces tyrosine 844 with cysteine.
Molecular consequence: missense variant.
Genome position (GRCh38, 1-based): chr19:41,970,196, T>C on the plus strand (A>G on the coding strand, the complement: ATP1A3 is on the minus strand). VCF-style: chr19-41970196-T-C. GRCh37 (hg19) VCF-style: chr19-42474348-T-C.
Other names: c.2564A>G, p.Tyr855Cys (NM_001256213.2); c.2570A>G, p.Tyr857Cys (NM_001256214.2); short protein forms Y844C, Y857C, Y855C.
Identifiers: ClinVar variation 2695489 (VCV002695489.3), dbSNP rs2514032257, ClinGen allele CA406038587.

ClinVar aggregate classification (germline): Uncertain significance (1 of 4 stars; one submission).

Conditions:
Dystonia 12 (DYT12). Also called: Rapid-Onset Dystonia-Parkinsonism (RDP); DYT-ATP1A3. Identifiers: Orphanet 71517, MedGen C1868681, MONDO:0007496, OMIM 128235.

Submission:

Labcorp Genetics (formerly Invitae), Labcorp
Classification: Uncertain significance for Dystonia 12. Last evaluated: 2023-11-13. Review status: criteria provided, single submitter. Criteria: Invitae Variant Classification Sherloc (09022015). Collection method: clinical testing. Allele origin: germline.
Comment: This sequence change replaces tyrosine, which is neutral and polar, with cysteine, which is neutral and slightly polar, at codon 844 of the ATP1A3 protein (p.Tyr844Cys). This variant is not present in population databases (gnomAD no frequency). This variant has not been reported in the literature in individuals affected with ATP1A3-related conditions. Advanced modeling of protein sequence and biophysical properties (such as structural, functional, and spatial information, amino acid conservation, physicochemical variation, residue mobility, and thermodynamic stability) performed at Invitae indicates that this missense variant is expected to disrupt ATP1A3 protein function with a positive predictive value of 95%. In summary, the available evidence is currently insufficient to determine the role of this variant in disease. Therefore, it has been classified as a Variant of Uncertain Significance.